The following is an entry in ClinVar:

NM_004958.4(MTOR):c.3599T>C (p.Val1200Ala)

Gene: MTOR (mechanistic target of rapamycin kinase; minus strand). Cytogenetic location: 1p36.22.
Variant type: single nucleotide variant.
Coding change: c.3599T>C on transcript NM_004958.4 (MANE Select); coding-DNA position 3599, T replaced by C.
Protein change: p.Val1200Ala; replaces valine 1200 with alanine.
Molecular consequence: missense variant.
Genome position (GRCh38, 1-based): chr1:11,210,869, A>G on the plus strand (T>C on the coding strand, the complement: MTOR is on the minus strand). VCF-style: chr1-11210869-A-G. GRCh37 (hg19) VCF-style: chr1-11270926-A-G.
Other names: c.3599T>C, p.Val1200Ala (NM_001386500.1); c.2351T>C, p.Val784Ala (NM_001386501.1); short protein forms V1200A, V784A.
Identifiers: ClinVar variation 2157171 (VCV002157171.6), dbSNP rs1356106346, ClinGen allele CA338372271.
Genomic context (GRCh38, chr1:11,210,869, plus strand): 5'-TTCACCTTGACAATTCTGCAGATGAGCACATCATAGCGCTGATGATTGATTCGGTGTCGC[A>G]CCAGAACTTTATTCACCATTGGAATGAAAATTTGGTACTAAAACAGGAGGGGGAAGAGAT-3'
Protein context (NP_004949.1, residues 1190-1210): IFIPMVNKVL[Val1200Ala]RHRINHQRYD

ClinVar aggregate classification (germline): Benign. Review status: criteria provided, single submitter (1 of 4 stars). 2 submissions from 2 submitters: Benign (1). 1 of the submissions does not count toward it. Last evaluated 2023-07-17.

Conditions:
MTOR-related disorder. Also called: MTOR-related condition.

Allele frequency attached by ClinVar (database versions not stated): gnomAD exomes 0.00003.
gnomAD v4.1: 44 of 1,613,966 alleles (0.0027%); highest among the groups gnomAD compares: Non-Finnish European, 0.0037%; no homozygotes.

Submissions (2):

Labcorp Genetics (formerly Invitae), Labcorp
Classification: Benign. Last evaluated: 2023-07-17. Review status: criteria provided, single submitter. Criteria: Invitae Variant Classification Sherloc (09022015). Collection method: clinical testing. Allele origin: germline.

PreventionGenetics, part of Exact Sciences
Classification: Likely benign for MTOR-related condition. Last evaluated: 2023-12-18. Review status: no assertion criteria provided. Collection method: clinical testing. Allele origin: germline. Not counted in ClinVar's aggregate classification.
Comment: This variant is classified as likely benign based on ACMG/AMP sequence variant interpretation guidelines (Richards et al. 2015 PMID: 25741868, with internal and published modifications).